The following is an entry in ClinVar:

ClinVar aggregate classification (germline): Uncertain significance (1 of 4 stars; one submission).

Submission:

Labcorp Genetics (formerly Invitae), Labcorp
Classification: Uncertain significance. Last evaluated: 2024-10-30. Review status: criteria provided, single submitter. Criteria: Invitae Variant Classification Sherloc (09022015). Collection method: clinical testing. Allele origin: germline.
Comment: This sequence change replaces leucine, which is neutral and non-polar, with proline, which is neutral and non-polar, at codon 3647 of the PCLO protein (p.Leu3647Pro). This variant is not present in population databases (gnomAD no frequency). This variant has not been reported in the literature in individuals affected with PCLO-related conditions. ClinVar contains an entry for this variant (Variation ID: 1964863). Experimental studies and prediction algorithms are not available or were not evaluated, and the functional significance of this variant is currently unknown. In summary, the available evidence is currently insufficient to determine the role of this variant in disease. Therefore, it has been classified as a Variant of Uncertain Significance.

NM_033026.6(PCLO):c.10940T>C (p.Leu3647Pro)

Gene: PCLO (piccolo presynaptic cytomatrix protein; minus strand). Cytogenetic location: 7q21.11.
Variant type: single nucleotide variant.
Coding change: c.10940T>C on transcript NM_033026.6 (MANE Select); coding-DNA position 10940, T replaced by C.
Protein change: p.Leu3647Pro; replaces leucine 3647 with proline.
Molecular consequence: missense variant.
Genome position (GRCh38, 1-based): chr7:82,949,648, A>G on the plus strand (T>C on the coding strand, the complement: PCLO is on the minus strand). VCF-style: chr7-82949648-A-G. GRCh37 (hg19) VCF-style: chr7-82578964-A-G.
Other names: c.10940T>C, p.Leu3647Pro (NM_014510.3); short protein forms L3647P.
Identifiers: ClinVar variation 1964863 (VCV001964863.5), dbSNP rs2535671576, ClinGen allele CA367901120.